The following is an entry in ClinVar:

NM_006236.3(POU3F3):c.929C>T (p.Pro310Leu)

Gene: POU3F3 (POU class 3 homeobox 3; plus strand). Cytogenetic location: 2q12.1.
Variant type: single nucleotide variant.
Coding change: c.929C>T on transcript NM_006236.3 (MANE Select); coding-DNA position 929, C replaced by T.
Protein change: p.Pro310Leu; replaces proline 310 with leucine.
Molecular consequence: missense variant.
Genome position (GRCh38, 1-based): chr2:104,856,439, C>T. VCF-style: chr2-104856439-C-T. GRCh37 (hg19) VCF-style: chr2-105472897-C-T.
Other names: short protein forms P310L.
Identifiers: ClinVar variation 2429052 (VCV002429052.28), dbSNP rs772917640, ClinGen allele CA348097811.

ClinVar aggregate classification (germline): Uncertain significance. Review status: criteria provided, multiple submitters, no conflicts (2 of 4 stars). 2 submissions from 2 submitters: Uncertain significance (2). Last evaluated 2022-12-30.

Submissions (2):

Greenwood Genetic Center Diagnostic Laboratories, Greenwood Genetic Center
Classification: Uncertain significance. Last evaluated: 2022-12-30. Review status: criteria provided, single submitter. Criteria: ACMG Guidelines, 2015. Collection method: clinical testing. Allele origin: germline. Affected: yes.
Comment: PM2

CeGaT Center for Human Genetics Tuebingen
Classification: Uncertain significance. Last evaluated: 2022-09-01. Review status: criteria provided, single submitter. Criteria: CeGaT Center For Human Genetics Tuebingen Variant Classification Criteria Version 2. Collection method: clinical testing. Allele origin: germline. Affected: yes. Observed: 1 variant allele.
Comment: POU3F3: PM2